The following is an entry in ClinVar:

NM_001297595.2(SIN3B):c.3308A>G (p.Lys1103Arg)

Gene: SIN3B (SIN3 transcription regulator family member B; plus strand). Cytogenetic location: 19p13.11.
Variant type: single nucleotide variant.
Coding change: c.3308A>G on transcript NM_001297595.2 (MANE Select); coding-DNA position 3308, A replaced by G.
Protein change: p.Lys1103Arg; replaces lysine 1103 with arginine.
Molecular consequence: missense variant.
Genome position (GRCh38, 1-based): chr19:16,878,642, A>G. VCF-style: chr19-16878642-A-G. GRCh37 (hg19) VCF-style: chr19-16989453-A-G.
Other names: c.2078A>G, p.Lys693Arg (NM_001297597.2); c.3404A>G, p.Lys1135Arg (NM_015260.4); short protein forms K1103R, K1135R, K693R.
Identifiers: ClinVar variation 3600841 (VCV003600841.1).

ClinVar aggregate classification (germline): Uncertain significance (1 of 4 stars; one submission).

Submission:

GeneDx
Classification: Uncertain significance. Last evaluated: 2024-07-22. Review status: criteria provided, single submitter. Criteria: GeneDx Variant Classification Process June 2021. Collection method: clinical testing. Allele origin: germline. Affected: yes.
Comment: Not observed at significant frequency in large population cohorts (gnomAD); In silico analysis indicates that this missense variant does not alter protein structure/function; Has not been previously published as pathogenic or benign to our knowledge